The following is an entry in ClinVar:

NM_001267550.2(TTN):c.4451C>G (p.Pro1484Arg)

Genes: TTN (titin; minus strand), LOC101927055 (uncharacterized LOC101927055; plus strand). Cytogenetic location: 2q31.2.
Variant type: single nucleotide variant.
Coding change: c.4451C>G on transcript NM_001267550.2 (MANE Select); coding-DNA position 4451, C replaced by G.
Protein change: p.Pro1484Arg; replaces proline 1484 with arginine.
Molecular consequence: missense variant. On other transcripts: non-coding transcript variant (1).
Genome position (GRCh38, 1-based): chr2:178,777,733, G>C on the plus strand (C>G on the coding strand, the complement: TTN is on the minus strand). VCF-style: chr2-178777733-G-C. GRCh37 (hg19) VCF-style: chr2-179642460-G-C.
Other names: c.4451C>G, p.Pro1484Arg (NM_001256850.1, NM_133378.4, NM_133379.5); c.4313C>G, p.Pro1438Arg (NM_003319.4, NM_133432.3, NM_133437.4); short protein forms P1438R, P1484R.
Identifiers: ClinVar variation 3600951 (VCV003600951.1).

ClinVar aggregate classification (germline): Uncertain significance (1 of 4 stars; one submission).

gnomAD v4.1: 1 of 1,614,022 alleles (0.000062%); highest among the groups gnomAD compares: African/African-American, 0.0013%; no homozygotes.

Submission:

GeneDx
Classification: Uncertain significance. Last evaluated: 2024-07-23. Review status: criteria provided, single submitter. Criteria: GeneDx Variant Classification Process June 2021. Collection method: clinical testing. Allele origin: germline. Affected: yes.
Comment: Not observed at significant frequency in large population cohorts (gnomAD); Missense variant in a gene in which most reported pathogenic variants are truncating/loss of function; Has not been previously published as pathogenic or benign to our knowledge